The following is an entry in ClinVar:

ClinVar aggregate classification (germline): Benign (1 of 4 stars; one submission).

Conditions:
Nephronophthisis-like nephropathy 1 (NPHPL1). Identifiers: Orphanet 655, MedGen C3150419, MONDO:0013163, OMIM 613159.

Allele frequency attached by ClinVar (database versions not stated): gnomAD 0.00354 and 0.00373; TOPMed 0.00422; 1000 Genomes Project 0.00559; 1000 Genomes Project 30x 0.00625.

Submission:

Illumina Laboratory Services, Illumina
Classification: Benign for Nephronophthisis-like nephropathy 1. Last evaluated: 2018-01-12. Review status: criteria provided, single submitter. Criteria: ICSL Variant Classification Criteria 13 December 2019. Collection method: clinical testing. Allele origin: germline.
Comment: This variant was observed in the ICSL laboratory as part of a predisposition screen in an ostensibly healthy population. It had not been previously curated by ICSL or reported in the Human Gene Mutation Database (HGMD: prior to June 1st, 2018), and was therefore a candidate for classification through an automated scoring system. Utilizing variant allele frequency, disease prevalence and penetrance estimates, and inheritance mode, an automated score was calculated to assess if this variant is too frequent to cause the disease. Based on the score and internal cut-off values, a variant classified as benign is not then subjected to further curation. The score for this variant resulted in a classification of benign for this disease.

NM_022098.4(XPNPEP3):c.*2611G>T

Gene: XPNPEP3 (X-prolyl aminopeptidase 3; plus strand). Cytogenetic location: 22q13.2.
Variant type: single nucleotide variant.
Coding change: c.*2611G>T on transcript NM_022098.4 (MANE Select); 2611 bases downstream of the stop codon, G replaced by T.
Molecular consequence: 3 prime UTR variant.
Genome position (GRCh38, 1-based): chr22:40,929,046, G>T. VCF-style: chr22-40929046-G-T. GRCh37 (hg19) VCF-style: chr22-41325050-G-T.
Identifiers: ClinVar variation 341711 (VCV000341711.5), dbSNP rs144498602, ClinGen allele CA10645550.
Genomic context (GRCh38, chr22:40,929,046, plus strand): 5'-CCCATACCCACCTTCCCACCTCCCTCCAATTTCTCAATCCAGAGCTTTTTAAAAAAAGGG[G>T]AGGGAAATAACTCCACAGCTCTGGCTGCTCACTTCCCAGGCTCTGTGCCCCCAACAGCCC-3'